The following is an entry in ClinVar:

ClinVar aggregate classification (germline): Uncertain significance. Review status: criteria provided, multiple submitters, no conflicts (2 of 4 stars). 2 submissions from 2 submitters: Uncertain significance (2). Last evaluated 2026-01-05.

Conditions:
Neuronopathy, distal hereditary motor, type 7A. Also called: SPINAL MUSCULAR ATROPHY, DISTAL, WITH VOCAL CORD PARALYSIS; Neuronopathy, distal hereditary motor, type viia; HARPER-YOUNG MYOPATHY; HMN VIIA; NEURONOPATHY, DISTAL HEREDITARY MOTOR, HARDING TYPE VIIA; NEUROPATHY, DISTAL HEREDITARY MOTOR, HARDING TYPE VIIA. Identifiers: Orphanet 139589, MedGen C1834703, MONDO:0008024, OMIM 158580.
Congenital myasthenic syndrome 20. Also called: Myasthenic syndrome, congenital, 20, presynaptic. Identifiers: MedGen C4310694, MONDO:0014939, OMIM 617143.
Inborn genetic diseases. Identifiers: MedGen C0950123, MeSH D030342.

Allele frequency attached by ClinVar (database versions not stated): gnomAD exomes 0.00001 and 0.00002; TOPMed 0.00009; ExAC 0.00002; gnomAD 0.00003.
gnomAD v4.1: 19 of 1,613,680 alleles (0.0012%); highest among the groups gnomAD compares: Admixed American, 0.005%; no homozygotes.

Submissions (2):

Labcorp Genetics (formerly Invitae), Labcorp
Classification: Uncertain significance for Neuronopathy, distal hereditary motor, type 7A; Congenital myasthenic syndrome 20. Last evaluated: 2026-01-05. Review status: criteria provided, single submitter. Criteria: Invitae Variant Classification Sherloc (09022015). Collection method: clinical testing. Allele origin: germline.
Comment: This sequence change replaces glycine, which is neutral and non-polar, with arginine, which is basic and polar, at codon 429 of the SLC5A7 protein (p.Gly429Arg). This variant is present in population databases (rs764287242, gnomAD 0.004%). This variant has not been reported in the literature in individuals affected with SLC5A7-related conditions. ClinVar contains an entry for this variant (Variation ID: 1443166). Invitae Evidence Modeling of protein sequence and biophysical properties (such as structural, functional, and spatial information, amino acid conservation, physicochemical variation, residue mobility, and thermodynamic stability) indicates that this missense variant is not expected to disrupt SLC5A7 protein function with a negative predictive value of 80%. In summary, the available evidence is currently insufficient to determine the role of this variant in disease. Therefore, it has been classified as a Variant of Uncertain Significance.

Ambry Genetics
Classification: Uncertain significance for Inborn genetic diseases. Last evaluated: 2023-11-17. Review status: criteria provided, single submitter. Criteria: Ambry Variant Classification Scheme 2023. Collection method: clinical testing. Allele origin: germline.

NM_021815.5(SLC5A7):c.1285G>A (p.Gly429Arg)

Gene: SLC5A7 (solute carrier family 5 member 7; plus strand). Cytogenetic location: 2q12.3.
Variant type: single nucleotide variant.
Coding change: c.1285G>A on transcript NM_021815.5 (MANE Select); coding-DNA position 1285, G replaced by A.
Protein change: p.Gly429Arg; replaces glycine 429 with arginine.
Molecular consequence: missense variant.
Genome position (GRCh38, 1-based): chr2:108,010,403, G>A. VCF-style: chr2-108010403-G-A. GRCh37 (hg19) VCF-style: chr2-108626859-G-A.
Other names: c.1285G>A, p.Gly429Arg (NM_001305005.3); c.970G>A, p.Gly324Arg (NM_001305006.3); c.544G>A, p.Gly182Arg (NM_001305007.3); short protein forms G429R, G182R, G324R.
Identifiers: ClinVar variation 1443166 (VCV001443166.8), dbSNP rs764287242, ClinGen allele CA1819156.